The following is an entry in ClinVar:

NM_000141.5(FGFR2):c.749-6590C>T

Gene: FGFR2 (fibroblast growth factor receptor 2; minus strand). Cytogenetic location: 10q26.13.
Variant type: single nucleotide variant.
Coding change: c.749-6590C>T on transcript NM_000141.5 (MANE Select); 6590 bases into the intron before coding-DNA position 749, C replaced by T.
Molecular consequence: intron variant. On other transcripts: 5 prime UTR variant (1).
Genome position (GRCh38, 1-based): chr10:121,526,759, G>A on the plus strand (C>T on the coding strand, the complement: FGFR2 is on the minus strand). VCF-style: chr10-121526759-G-A. GRCh37 (hg19) VCF-style: chr10-123286273-G-A.
Other names: c.-7C>T (NM_001320654.2); c.749-11440C>T (NM_001144914.1); c.404-6590C>T (NM_001144918.2, NM_001441091.1, NM_001441090.1 and 1 more transcripts); c.482-6590C>T (NM_001441089.1, NM_023029.3, NM_001441088.1 and 2 more transcripts); c.749-6590C>T (NM_001144917.2, NM_001320658.2, NM_001441087.1 and 2 more transcripts).
Identifiers: ClinVar variation 3045175 (VCV003045175.2), dbSNP rs2540226763, ClinGen allele CA2611201032.

ClinVar aggregate classification (germline): Likely benign (0 of 4 stars; one submission).

Conditions:
FGFR2-related disorder. Identifiers: MedGen CN380096.

Submission:

PreventionGenetics, part of Exact Sciences
Classification: Likely benign for FGFR2-related condition. Last evaluated: 2022-04-14. Review status: no assertion criteria provided. Collection method: clinical testing. Allele origin: germline.
Comment: This variant is classified as likely benign based on ACMG/AMP sequence variant interpretation guidelines (Richards et al. 2015 PMID: 25741868, with internal and published modifications).